The following is an entry in ClinVar:

NM_001024630.4(RUNX2):c.685+1G>C

Gene: RUNX2 (RUNX family transcription factor 2; plus strand). Cytogenetic location: 6p21.1.
Variant type: single nucleotide variant.
Coding change: c.685+1G>C on transcript NM_001024630.4 (MANE Select); the canonical splice donor site of the intron after coding-DNA position 685, G replaced by C.
Molecular consequence: splice donor variant.
Genome position (GRCh38, 1-based): chr6:45,438,052, G>C. VCF-style: chr6-45438052-G-C. GRCh37 (hg19) VCF-style: chr6-45405789-G-C.
Other names: c.685+1G>C (NM_001015051.4); c.643+1G>C (NM_001369405.1, NM_001278478.2).
Identifiers: ClinVar variation 3663437 (VCV003663437.2).

ClinVar aggregate classification (germline): Likely pathogenic (1 of 4 stars; one submission).

Submission:

Labcorp Genetics (formerly Invitae), Labcorp
Classification: Likely pathogenic. Last evaluated: 2024-08-26. Review status: criteria provided, single submitter. Criteria: Invitae Variant Classification Sherloc (09022015). Collection method: clinical testing. Allele origin: germline.
Comment: This sequence change affects a donor splice site in intron 5 of the RUNX2 gene. It is expected to disrupt RNA splicing. Variants that disrupt the donor or acceptor splice site typically lead to a loss of protein function (PMID: 16199547), and loss-of-function variants in RUNX2 are known to be pathogenic (PMID: 10521292, 11857736). This variant is not present in population databases (gnomAD no frequency). Disruption of this splice site has been observed in individual(s) with cleidocranial dysplasia (PMID: 10545612). Algorithms developed to predict the effect of sequence changes on RNA splicing suggest that this variant may disrupt the consensus splice site. In summary, the currently available evidence indicates that the variant is pathogenic, but additional data are needed to prove that conclusively. Therefore, this variant has been classified as Likely Pathogenic.

Literature cited by the submitters: PubMed 16199547; PubMed 10521292; PubMed 11857736; PubMed 10545612.